The following is an entry in ClinVar:

NM_015295.3(SMCHD1):c.3760C>G (p.Pro1254Ala)

Gene: SMCHD1 (structural maintenance of chromosomes flexible hinge domain containing 1; plus strand). Cytogenetic location: 18p11.32.
Variant type: single nucleotide variant.
Coding change: c.3760C>G on transcript NM_015295.3 (MANE Select); coding-DNA position 3760, C replaced by G.
Protein change: p.Pro1254Ala; replaces proline 1254 with alanine.
Molecular consequence: missense variant.
Genome position (GRCh38, 1-based): chr18:2,743,887, C>G. VCF-style: chr18-2743887-C-G. GRCh37 (hg19) VCF-style: chr18-2743885-C-G.
Other names: short protein forms P1254A.
Identifiers: ClinVar variation 972315 (VCV000972315.10), dbSNP rs755677576, ClinGen allele CA8871291.

ClinVar aggregate classification (germline): Uncertain significance (1 of 4 stars; one submission).

Conditions:
Facioscapulohumeral muscular dystrophy 2 (FSHD2). Also called: FACIOSCAPULOHUMERAL MUSCULAR DYSTROPHY 2, DIGENIC; FSHD2, DIGENIC; MUSCULAR DYSTROPHY, FACIOSCAPULOHUMERAL, TYPE 1B. Identifiers: Orphanet 269, MedGen C1834671, MONDO:0008031, OMIM 158901.

Allele frequency attached by ClinVar (database versions not stated): TOPMed below 0.00001; ExAC 0.00001; gnomAD 0.00001.
gnomAD v4.1: 5 of 1,613,004 alleles (0.00031%); highest among the groups gnomAD compares: Admixed American, 0.005%; no homozygotes.

Submission:

Labcorp Genetics (formerly Invitae), Labcorp
Classification: Uncertain significance for Facioscapulohumeral muscular dystrophy 2. Last evaluated: 2022-07-25. Review status: criteria provided, single submitter. Criteria: Invitae Variant Classification Sherloc (09022015). Collection method: clinical testing. Allele origin: germline.
Comment: This sequence change replaces proline, which is neutral and non-polar, with alanine, which is neutral and non-polar, at codon 1254 of the SMCHD1 protein (p.Pro1254Ala). This variant is present in population databases (rs755677576, gnomAD 0.006%). This variant has not been reported in the literature in individuals affected with SMCHD1-related conditions. ClinVar contains an entry for this variant (Variation ID: 972315). Algorithms developed to predict the effect of missense changes on protein structure and function (SIFT, PolyPhen-2, Align-GVGD) all suggest that this variant is likely to be disruptive. In summary, the available evidence is currently insufficient to determine the role of this variant in disease. Therefore, it has been classified as a Variant of Uncertain Significance.